The following is an entry in ClinVar:

ClinVar aggregate classification (germline): Uncertain significance (1 of 4 stars; one submission).

Submission:

Labcorp Genetics (formerly Invitae), Labcorp
Classification: Uncertain significance. Last evaluated: 2022-07-05. Review status: criteria provided, single submitter. Criteria: Invitae Variant Classification Sherloc (09022015). Collection method: clinical testing. Allele origin: germline.
Comment: This sequence change replaces alanine, which is neutral and non-polar, with glycine, which is neutral and non-polar, at codon 638 of the ADAMTS10 protein (p.Ala638Gly). This variant is not present in population databases (gnomAD no frequency). This variant has not been reported in the literature in individuals affected with ADAMTS10-related conditions. Algorithms developed to predict the effect of missense changes on protein structure and function (SIFT, PolyPhen-2, Align-GVGD) all suggest that this variant is likely to be tolerated. In summary, the available evidence is currently insufficient to determine the role of this variant in disease. Therefore, it has been classified as a Variant of Uncertain Significance.

NM_030957.4(ADAMTS10):c.1913C>G (p.Ala638Gly)

Gene: ADAMTS10 (ADAM metallopeptidase with thrombospondin type 1 motif 10; minus strand). Cytogenetic location: 19p13.2.
Variant type: single nucleotide variant.
Coding change: c.1913C>G on transcript NM_030957.4 (MANE Select); coding-DNA position 1913, C replaced by G.
Protein change: p.Ala638Gly; replaces alanine 638 with glycine.
Molecular consequence: missense variant.
Genome position (GRCh38, 1-based): chr19:8,589,573, G>C on the plus strand (C>G on the coding strand, the complement: ADAMTS10 is on the minus strand). VCF-style: chr19-8589573-G-C. GRCh37 (hg19) VCF-style: chr19-8654457-G-C.
Other names: c.374C>G, p.Ala125Gly (NM_001282352.2); short protein forms A638G, A125G.
Identifiers: ClinVar variation 1983675 (VCV001983675.1), dbSNP rs1555738350, ClinGen allele CA403750956.